The following is an entry in ClinVar:

NM_002449.5(MSX2):c.505A>G (p.Ile169Val)

Gene: MSX2 (msh homeobox 2; plus strand). Cytogenetic location: 5q35.2.
Variant type: single nucleotide variant.
Coding change: c.505A>G on transcript NM_002449.5 (MANE Select); coding-DNA position 505, A replaced by G.
Protein change: p.Ile169Val; replaces isoleucine 169 with valine.
Molecular consequence: missense variant. On other transcripts: 3 prime UTR variant (1).
Genome position (GRCh38, 1-based): chr5:174,729,284, A>G. VCF-style: chr5-174729284-A-G. GRCh37 (hg19) VCF-style: chr5-174156287-A-G.
Other names: c.*129A>G (NM_001363626.2); short protein forms I169V.
Identifiers: ClinVar variation 1361258 (VCV001361258.8), dbSNP rs2113498787, ClinGen allele CA362230015.

ClinVar aggregate classification (germline): Uncertain significance (1 of 4 stars; one submission).

Conditions:
Cranium bifidum occultum. Also called: Enlarged Parietal Foramina; CATLIN MARKS; CRANIUM BIFIDUM, HEREDITARY. Identifiers: MedGen C1868598, HP:0004423.

Submission:

Labcorp Genetics (formerly Invitae), Labcorp
Classification: Uncertain significance for Cranium bifidum occultum. Last evaluated: 2022-02-05. Review status: criteria provided, single submitter. Criteria: Invitae Variant Classification Sherloc (09022015). Collection method: clinical testing. Allele origin: germline.
Comment: Algorithms developed to predict the effect of missense changes on protein structure and function are either unavailable or do not agree on the potential impact of this missense change (SIFT: "Deleterious"; PolyPhen-2: "Probably Damaging"; Align-GVGD: "Class C0"). In summary, the available evidence is currently insufficient to determine the role of this variant in disease. Therefore, it has been classified as a Variant of Uncertain Significance. This missense change has been observed in at least one individual who was not affected with MSX2-related conditions (Invitae). This variant has not been reported in the literature in individuals affected with MSX2-related conditions. This variant is not present in population databases (gnomAD no frequency). This sequence change replaces isoleucine, which is neutral and non-polar, with valine, which is neutral and non-polar, at codon 169 of the MSX2 protein (p.Ile169Val).